The following is an entry in ClinVar:

ClinVar aggregate classification (germline): Uncertain significance. Review status: criteria provided, multiple submitters, no conflicts (2 of 4 stars). 2 submissions from 2 submitters: Uncertain significance (2). Last evaluated 2024-12-24.

Conditions:
Hereditary breast ovarian cancer syndrome. Also called: Hereditary breast and ovarian cancer syndrome; BRCA1- and BRCA2-Associated Hereditary Breast and Ovarian Cancer; Hereditary breast and/or ovarian cancer syndrome; Hereditary breast and ovarian cancer; Hereditary breast and ovarian cancer syndrome (HBOC); Breast and ovarian cancer. Identifiers: Orphanet 145, MedGen C0677776, MeSH D061325, MONDO:0003582. Disease mechanism: loss of function.
Hereditary cancer-predisposing syndrome. Also called: Neoplastic Syndromes, Hereditary; Hereditary Cancer Syndrome; Tumor predisposition; Hereditary neoplastic syndrome. Identifiers: Orphanet 140162, MedGen C0027672, MeSH D009386, MONDO:0015356.

Allele frequency attached by ClinVar (database versions not stated): gnomAD exomes below 0.00001; TOPMed below 0.00001; ExAC 0.00001; gnomAD 0.00001; 1000 Genomes Project 0.00020; 1000 Genomes Project 30x 0.00031.
gnomAD v4.1: 2 of 1,614,214 alleles (0.00012%); highest among the groups gnomAD compares: East Asian, 0.0022%; no homozygotes.

Submissions (2):

Labcorp Genetics (formerly Invitae), Labcorp
Classification: Uncertain significance for Hereditary breast ovarian cancer syndrome. Last evaluated: 2024-12-24. Review status: criteria provided, single submitter. Criteria: Invitae Variant Classification Sherloc (09022015). Collection method: clinical testing. Allele origin: germline.
Comment: This sequence change replaces proline, which is neutral and non-polar, with leucine, which is neutral and non-polar, at codon 2519 of the BRCA2 protein (p.Pro2519Leu). This variant is present in population databases (rs545454796, gnomAD 0.003%). This variant has not been reported in the literature in individuals affected with BRCA2-related conditions. ClinVar contains an entry for this variant (Variation ID: 853167). Invitae Evidence Modeling of protein sequence and biophysical properties (such as structural, functional, and spatial information, amino acid conservation, physicochemical variation, residue mobility, and thermodynamic stability) indicates that this missense variant is not expected to disrupt BRCA2 protein function with a negative predictive value of 95%. In summary, the available evidence is currently insufficient to determine the role of this variant in disease. Therefore, it has been classified as a Variant of Uncertain Significance.

Ambry Genetics
Classification: Uncertain significance for Hereditary cancer-predisposing syndrome. Last evaluated: 2024-07-05. Review status: criteria provided, single submitter. Criteria: Ambry Variant Classification Scheme 2023. Collection method: clinical testing. Allele origin: germline.
Comment: The p.P2519L variant (also known as c.7556C>T), located in coding exon 14 of the BRCA2 gene, results from a C to T substitution at nucleotide position 7556. The proline at codon 2519 is replaced by leucine, an amino acid with similar properties. This amino acid position is conserved. In addition, the in silico prediction for this alteration is inconclusive. Since supporting evidence is limited at this time, the clinical significance of this alteration remains unclear.

NM_000059.4(BRCA2):c.7556C>T (p.Pro2519Leu)

Gene: BRCA2 (BRCA2 DNA repair associated; plus strand). Cytogenetic location: 13q13.1.
Variant type: single nucleotide variant.
Coding change: c.7556C>T on transcript NM_000059.4 (MANE Select); coding-DNA position 7556, C replaced by T.
Protein change: p.Pro2519Leu; replaces proline 2519 with leucine.
Molecular consequence: missense variant.
Genome position (GRCh38, 1-based): chr13:32,356,548, C>T. VCF-style: chr13-32356548-C-T. GRCh37 (hg19) VCF-style: chr13-32930685-C-T.
Other names: short protein forms P2519L.
Identifiers: ClinVar variation 853167 (VCV000853167.11), dbSNP rs545454796, ClinGen allele CA6941108.